The following is an entry in ClinVar:

ClinVar aggregate classification (germline): Pathogenic (1 of 4 stars; one submission).

Submission:

GeneDx
Classification: Pathogenic. Last evaluated: 2022-12-02. Review status: criteria provided, single submitter. Criteria: GeneDx Variant Classification Process June 2021. Collection method: clinical testing. Allele origin: germline. Affected: yes.
Comment: Has not been previously published as pathogenic or benign to our knowledge; Nonsense variant predicted to result in protein truncation or nonsense mediated decay in a gene for which loss of function is a known mechanism of disease; Not observed in large population cohorts (gnomAD)

NM_177559.3(CSNK2A1):c.61C>T (p.Arg21Ter)

Gene: CSNK2A1 (casein kinase 2 alpha 1; minus strand). Cytogenetic location: 20p13.
Variant type: single nucleotide variant.
Coding change: c.61C>T on transcript NM_177559.3 (MANE Select); coding-DNA position 61, C replaced by T.
Protein change: p.Arg21Ter; replaces arginine 21 with a stop codon.
Molecular consequence: nonsense. On other transcripts: intron variant (1).
Genome position (GRCh38, 1-based): chr20:508,491, G>A on the plus strand (C>T on the coding strand, the complement: CSNK2A1 is on the minus strand). VCF-style: chr20-508491-G-A. GRCh37 (hg19) VCF-style: chr20-489135-G-A.
Other names: c.61C>T, p.Arg21Ter (NM_001362770.2, NM_001362771.2, NM_001895.4); c.-307-3262C>T (NM_177560.3); short protein forms R21*.
Identifiers: ClinVar variation 1801973 (VCV001801973.1), dbSNP rs1298863214, ClinGen allele CA407941788.